The following is an entry in ClinVar:

NM_000552.5(VWF):c.6799-14C>T

Gene: VWF (von Willebrand factor; minus strand). Cytogenetic location: 12p13.31.
Variant type: single nucleotide variant.
Coding change: c.6799-14C>T on transcript NM_000552.5 (MANE Select); 14 bases into the intron before coding-DNA position 6799, C replaced by T.
Molecular consequence: intron variant.
Genome position (GRCh38, 1-based): chr12:5,985,679, G>A on the plus strand (C>T on the coding strand, the complement: VWF is on the minus strand). VCF-style: chr12-5985679-G-A. GRCh37 (hg19) VCF-style: chr12-6094845-G-A.
Identifiers: ClinVar variation 256693 (VCV000256693.15), dbSNP rs177702, ClinGen allele CA6401895.

ClinVar aggregate classification (germline): Benign/Likely benign. Review status: criteria provided, multiple submitters, no conflicts (2 of 4 stars). 10 submissions from 8 submitters: Benign (7); Likely benign (1). 2 of the submissions do not count toward it. Last evaluated 2026-05-11.

Conditions:
Hereditary von Willebrand disease. Identifiers: Orphanet 903, MedGen C5703318, MONDO:0019565. Inheritance: Autosomal recessive or Autosomal dominant.
von Willebrand disease type 2 (VWD2). Also called: VON WILLEBRAND DISEASE, TYPE 2A/IIE; VON WILLEBRAND DISEASE, TYPE 2CB; VON WILLEBRAND DISEASE, TYPE II; VWD, TYPE 2. Identifiers: Orphanet 166081, Orphanet 903, MedGen C1264040, MONDO:0013304, OMIM 613554.
von Willebrand disease type 3 (VWD3). Also called: Type 3 Von Willebrand's disease; Type 3 VWD; Von Willebrand disease, severe form; V WD3; VON WILLEBRAND DISEASE, TYPE III. Identifiers: Orphanet 166096, MedGen C1264041, MONDO:0010191, OMIM 277480.
von Willebrand disease type 1 (VWD1). Also called: VON WILLEBRAND DISEASE, TYPE I; VWD, TYPE 1. Identifiers: Orphanet 166078, Orphanet 903, MedGen C1264039, MONDO:0008668, OMIM 193400. Inheritance: autosomal recessive or autosomal dominant.

Allele frequency attached by ClinVar (database versions not stated): 1000 Genomes Project 0.70068; 1000 Genomes Project 30x 0.70253; gnomAD 0.75719 and 0.76003; TOPMed 0.75853; ESP Exome Variant Server 0.76711.
gnomAD v4.1: 1,267,681 of 1,612,346 alleles (79%); highest among the groups gnomAD compares: Admixed American, 85%; 500,481 homozygotes.

Submissions (10):

Women's Health and Genetics/Laboratory Corporation of America, LabCorp
Classification: Benign. Last evaluated: 2026-05-11. Review status: criteria provided, single submitter. Criteria: LabCorp Variant Classification Summary - May 2015. Collection method: clinical testing. Allele origin: germline.

Blueprint Genetics
Classification: Likely benign. Last evaluated: 2024-11-27. Review status: criteria provided, single submitter. Criteria: ACMG Guidelines, 2015. Collection method: clinical testing. Allele origin: germline.

Genome-Nilou Lab
Classification: Benign for von Willebrand disease type 1. Last evaluated: 2021-12-05. Review status: criteria provided, single submitter. Criteria: ACMG Guidelines, 2015. Collection method: clinical testing. Allele origin: germline. Affected: no.

Genome-Nilou Lab
Classification: Benign for von Willebrand disease type 3. Last evaluated: 2021-12-05. Review status: criteria provided, single submitter. Criteria: ACMG Guidelines, 2015. Collection method: clinical testing. Allele origin: germline. Affected: no.

Genome-Nilou Lab
Classification: Benign for von Willebrand disease type 2. Last evaluated: 2021-12-05. Review status: criteria provided, single submitter. Criteria: ACMG Guidelines, 2015. Collection method: clinical testing. Allele origin: germline. Affected: no.

Illumina Laboratory Services, Illumina
Classification: Benign for von Willebrand disorder. Last evaluated: 2018-01-13. Review status: criteria provided, single submitter. Criteria: ICSL Variant Classification Criteria 13 December 2019. Collection method: clinical testing. Allele origin: germline.
Comment: This variant was observed in the ICSL laboratory as part of a predisposition screen in an ostensibly healthy population. It had not been previously curated by ICSL or reported in the Human Gene Mutation Database (HGMD: prior to June 1st, 2018), and was therefore a candidate for classification through an automated scoring system. Utilizing variant allele frequency, disease prevalence and penetrance estimates, and inheritance mode, an automated score was calculated to assess if this variant is too frequent to cause the disease. Based on the score and internal cut-off values, a variant classified as benign is not then subjected to further curation. The score for this variant resulted in a classification of benign for this disease.

Breakthrough Genomics
Classification: Benign. Review status: criteria provided, single submitter. Criteria: ACMG Guidelines, 2015. Collection method: not provided. Allele origin: germline. Inheritance: Autosomal recessive inheritance. Affected: yes.

PreventionGenetics, part of Exact Sciences
Classification: Benign. Review status: criteria provided, single submitter. Criteria: ACMG Guidelines, 2015. Collection method: clinical testing. Allele origin: germline.

Diagnostic Laboratory, Department of Genetics, University Medical Center Groningen
Classification: Benign. Review status: no assertion criteria provided. Collection method: clinical testing. Allele origin: germline. Affected: yes. Study: VKGL Data-share Consensus. Not counted in ClinVar's aggregate classification.

Joint Genome Diagnostic Labs from Nijmegen and Maastricht, Radboudumc and MUMC+
Classification: Benign. Review status: no assertion criteria provided. Collection method: clinical testing. Allele origin: germline. Affected: yes. Study: VKGL Data-share Consensus. Not counted in ClinVar's aggregate classification.